The following is an entry in ClinVar:

ClinVar aggregate classification (germline): Likely benign. Review status: criteria provided, multiple submitters, no conflicts (2 of 4 stars). 3 submissions from 3 submitters: Likely benign (3). Last evaluated 2025-12-23.

Conditions:
Saldino-Mainzer syndrome (SRTD9). Also called: Renal dysplasia, retinal pigmentary dystrophy, cerebellar ataxia and skeletal dysplasia; short-rib thoracic dysplasia 9 with or without polydactyly; SHORT-RIB THORACIC DYSPLASIA 9 WITHOUT POLYDACTYLY; CONORENAL SYNDROME. Identifiers: Orphanet 140969, MedGen C1849437, MONDO:0009964, OMIM 266920.
IFT140-related disorder. Also called: IFT140-related condition.

Allele frequency attached by ClinVar (database versions not stated): TOPMed below 0.00001; gnomAD 0.00001; gnomAD exomes 0.00001 and 0.00002; ESP Exome Variant Server 0.00008.
gnomAD v4.1: 22 of 1,614,108 alleles (0.0014%); highest among the groups gnomAD compares: Non-Finnish European, 0.0015%; no homozygotes.

Submissions (3):

PreventionGenetics, part of Exact Sciences
Classification: Likely benign for IFT140-related condition. Last evaluated: 2025-12-23. Review status: criteria provided, single submitter. Criteria: ACMG Guidelines, 2015. Collection method: clinical testing. Allele origin: germline.
Comment: This variant is classified as likely benign based on ACMG/AMP sequence variant interpretation guidelines (Richards et al. 2015 PMID: 25741868, with internal and published modifications).

Labcorp Genetics (formerly Invitae), Labcorp
Classification: Likely benign for Saldino-Mainzer syndrome. Last evaluated: 2023-11-27. Review status: criteria provided, single submitter. Criteria: Invitae Variant Classification Sherloc (09022015). Collection method: clinical testing. Allele origin: germline.

Blueprint Genetics
Classification: Likely benign. Last evaluated: 2022-01-25. Review status: criteria provided, single submitter. Criteria: ACMG Guidelines, 2015. Collection method: clinical testing. Allele origin: germline.

NM_014714.4(IFT140):c.321C>T (p.Thr107=)

Genes: IFT140 (intraflagellar transport 140; minus strand), LOC105371046 (uncharacterized LOC105371046; plus strand). Cytogenetic location: 16p13.3.
Variant type: single nucleotide variant.
Coding change: c.321C>T on transcript NM_014714.4 (MANE Select); coding-DNA position 321, C replaced by T.
Protein change: p.Thr107=; no amino-acid change (threonine 107 retained).
Molecular consequence: synonymous variant.
Genome position (GRCh38, 1-based): chr16:1,602,418, G>A on the plus strand (C>T on the coding strand, the complement: IFT140 is on the minus strand). VCF-style: chr16-1602418-G-A. GRCh37 (hg19) VCF-style: chr16-1652419-G-A.
Other names: c.321C>T (NM_014714.3).
Identifiers: ClinVar variation 1641288 (VCV001641288.10), dbSNP rs374346968, ClinGen allele CA276694254.